The following is an entry in ClinVar:

ClinVar aggregate classification (germline): Likely pathogenic (1 of 4 stars; one submission).

Allele frequency attached by ClinVar (database versions not stated): gnomAD exomes below 0.00001; ExAC 0.00001; gnomAD 0.00002; TOPMed 0.00002.
gnomAD v4.1: 6 of 1,612,910 alleles (0.00037%); highest among the groups gnomAD compares: African/African-American, 0.008%; no homozygotes.

Submission:

Labcorp Genetics (formerly Invitae), Labcorp
Classification: Likely pathogenic. Last evaluated: 2025-01-20. Review status: criteria provided, single submitter. Criteria: Invitae Variant Classification Sherloc (09022015). Collection method: clinical testing. Allele origin: germline.
Comment: This sequence change affects a donor splice site in intron 6 of the MAK gene. It is expected to disrupt RNA splicing. Variants that disrupt the donor or acceptor splice site typically lead to a loss of protein function (PMID: 16199547), and loss-of-function variants in MAK are known to be pathogenic (PMID: 21148103, 21825139, 24938718, 29781741). This variant is present in population databases (rs749769834, gnomAD 0.007%). This variant has not been reported in the literature in individuals affected with MAK-related conditions. ClinVar contains an entry for this variant (Variation ID: 1469794). Algorithms developed to predict the effect of sequence changes on RNA splicing suggest that this variant may disrupt the consensus splice site. In summary, the currently available evidence indicates that the variant is pathogenic, but additional data are needed to prove that conclusively. Therefore, this variant has been classified as Likely Pathogenic.

Literature cited by the submitters: PubMed 16199547; PubMed 21148103; PubMed 21825139; PubMed 24938718; PubMed 29781741.

NM_001242957.3(MAK):c.663+1G>C

Gene: MAK (male germ cell associated kinase; minus strand). Cytogenetic location: 6p24.2.
Variant type: single nucleotide variant.
Coding change: c.663+1G>C on transcript NM_001242957.3 (MANE Select); the canonical splice donor site of the intron after coding-DNA position 663, G replaced by C.
Molecular consequence: splice donor variant.
Genome position (GRCh38, 1-based): chr6:10,803,719, C>G on the plus strand (G>C on the coding strand, the complement: MAK is on the minus strand). VCF-style: chr6-10803719-C-G. GRCh37 (hg19) VCF-style: chr6-10803952-C-G.
Other names: c.561+1G>C (NM_001377262.1); c.663+1G>C (NM_005906.6, NM_001242385.2).
Identifiers: ClinVar variation 1469794 (VCV001469794.6), dbSNP rs749769834, ClinGen allele CA3633664.
Genomic context (GRCh38, chr6:10,803,719, plus strand): 5'-AGCAAAGTAGCAAGATAGAAATAATCAAAAGTTATAGCAACTTAGGGACAAGAGTACTTA[C>G]TTTTTTGGGAGTCCCTAAAACTTGGCAAATTTTAAAGATTTCATCGACCTCACTTGTCCC-3'